The following is an entry in ClinVar:

ClinVar aggregate classification (germline): Uncertain significance. Review status: criteria provided, single submitter (1 of 4 stars). 2 submissions from 2 submitters: Uncertain significance (1). 1 of the submissions does not count toward it. Last evaluated 2025-04-09.

Conditions:
PCNT-related disorder. Also called: PCNT-related condition.
Inborn genetic diseases. Identifiers: MedGen C0950123, MeSH D030342.

Allele frequency attached by ClinVar (database versions not stated): ExAC 0.00002; gnomAD exomes 0.00002; gnomAD 0.00005; TOPMed 0.00005.
gnomAD v4.1: 42 of 1,614,066 alleles (0.0026%); highest among the groups gnomAD compares: African/African-American, 0.0053%; no homozygotes.

Submissions (2):

Ambry Genetics
Classification: Uncertain significance for Inborn genetic diseases. Last evaluated: 2025-04-09. Review status: criteria provided, single submitter. Criteria: Ambry Variant Classification Scheme 2023. Collection method: clinical testing. Allele origin: germline.

PreventionGenetics, part of Exact Sciences
Classification: Uncertain significance for PCNT-related condition. Last evaluated: 2024-01-11. Review status: no assertion criteria provided. Collection method: clinical testing. Allele origin: germline. Not counted in ClinVar's aggregate classification.
Comment: The PCNT c.5158A>G variant is predicted to result in the amino acid substitution p.Thr1720Ala. To our knowledge, this variant has not been reported in the literature. This variant is reported in 0.0040% of alleles in individuals of African descent in gnomAD. At this time, the clinical significance of this variant is uncertain due to the absence of conclusive functional and genetic evidence.

NM_006031.6(PCNT):c.5158A>G (p.Thr1720Ala)

Gene: PCNT (pericentrin; plus strand). Cytogenetic location: 21q22.3.
Variant type: single nucleotide variant.
Coding change: c.5158A>G on transcript NM_006031.6 (MANE Select); coding-DNA position 5158, A replaced by G.
Protein change: p.Thr1720Ala; replaces threonine 1720 with alanine.
Molecular consequence: missense variant.
Genome position (GRCh38, 1-based): chr21:46,411,231, A>G. VCF-style: chr21-46411231-A-G. GRCh37 (hg19) VCF-style: chr21-47831145-A-G.
Other names: c.4804A>G, p.Thr1602Ala (NM_001315529.2); short protein forms T1602A, T1720A.
Identifiers: ClinVar variation 2455545 (VCV002455545.5), dbSNP rs771523525, ClinGen allele CA10079913.